The following is an entry in ClinVar:

NM_006767.4(LZTR1):c.2459T>C (p.Ile820Thr)

Gene: LZTR1 (leucine zipper like post translational regulator 1; plus strand). Cytogenetic location: 22q11.21.
Variant type: single nucleotide variant.
Coding change: c.2459T>C on transcript NM_006767.4 (MANE Select); coding-DNA position 2459, T replaced by C.
Protein change: p.Ile820Thr; replaces isoleucine 820 with threonine.
Molecular consequence: missense variant.
Genome position (GRCh38, 1-based): chr22:20,997,284, T>C. VCF-style: chr22-20997284-T-C. GRCh37 (hg19) VCF-style: chr22-21351573-T-C.
Other names: short protein forms I820T.
Identifiers: ClinVar variation 1791594 (VCV001791594.5), dbSNP rs1684653288, ClinGen allele CA410781701.

ClinVar aggregate classification (germline): Uncertain significance. Review status: criteria provided, multiple submitters, no conflicts (2 of 4 stars). 2 submissions from 2 submitters: Uncertain significance (2). Last evaluated 2025-09-25.

Conditions:
Hereditary cancer-predisposing syndrome. Also called: Hereditary Cancer Syndrome; Hereditary neoplastic syndrome; Tumor predisposition; Neoplastic Syndromes, Hereditary. Identifiers: Orphanet 140162, MedGen C0027672, MeSH D009386, MONDO:0015356.
Cardiovascular phenotype. Identifiers: MedGen CN230736.

Allele frequency attached by ClinVar (database versions not stated): gnomAD exomes below 0.00001; TOPMed below 0.00001; gnomAD 0.00001.
gnomAD v4.1: 4 of 1,613,716 alleles (0.00025%); highest among the groups gnomAD compares: Non-Finnish European, 0.00034%; no homozygotes.

Submissions (2):

Ambry Genetics
Classification: Uncertain significance for Cardiovascular phenotype; Hereditary cancer-predisposing syndrome. Last evaluated: 2025-09-25. Review status: criteria provided, single submitter. Criteria: Ambry Variant Classification Scheme 2023. Collection method: clinical testing. Allele origin: germline.
Comment: The p.I820T variant (also known as c.2459T>C), located in coding exon 21 of the LZTR1 gene, results from a T to C substitution at nucleotide position 2459. The isoleucine at codon 820 is replaced by threonine, an amino acid with similar properties. This amino acid position is conserved. In addition, the in silico prediction for this alteration is inconclusive. Since supporting evidence is limited at this time, the clinical significance of this alteration remains unclear.

Labcorp Genetics (formerly Invitae), Labcorp
Classification: Uncertain significance. Last evaluated: 2025-07-27. Review status: criteria provided, single submitter. Criteria: Invitae Variant Classification Sherloc (09022015). Collection method: clinical testing. Allele origin: germline.
Comment: This sequence change replaces isoleucine, which is neutral and non-polar, with threonine, which is neutral and polar, at codon 820 of the LZTR1 protein (p.Ile820Thr). This variant is not present in population databases (gnomAD no frequency). This variant has not been reported in the literature in individuals affected with LZTR1-related conditions. ClinVar contains an entry for this variant (Variation ID: 1791594). Invitae Evidence Modeling of protein sequence and biophysical properties (such as structural, functional, and spatial information, amino acid conservation, physicochemical variation, residue mobility, and thermodynamic stability) indicates that this missense variant is not expected to disrupt LZTR1 protein function with a negative predictive value of 80%. In summary, the available evidence is currently insufficient to determine the role of this variant in disease. Therefore, it has been classified as a Variant of Uncertain Significance.